The following is an entry in ClinVar:

ClinVar aggregate classification (germline): Uncertain significance (1 of 4 stars; one submission).

Conditions:
Inborn genetic diseases. Identifiers: MedGen C0950123, MeSH D030342.

Submission:

Ambry Genetics
Classification: Uncertain significance for Inborn genetic diseases. Last evaluated: 2024-12-20. Review status: criteria provided, single submitter. Criteria: Ambry Variant Classification Scheme 2023. Collection method: clinical testing. Allele origin: germline.
Comment: The p.A271V variant (also known as c.812C>T), located in coding exon 7 of the PAX5 gene, results from a C to T substitution at nucleotide position 812. The alanine at codon 271 is replaced by valine, an amino acid with similar properties. This amino acid position is conserved. In addition, the in silico prediction for this alteration is inconclusive. Based on the available evidence, the clinical significance of this variant remains unclear.

NM_016734.3(PAX5):c.812C>T (p.Ala271Val)

Gene: PAX5 (paired box 5; minus strand). Cytogenetic location: 9p13.2.
Variant type: single nucleotide variant.
Coding change: c.812C>T on transcript NM_016734.3 (MANE Select); coding-DNA position 812, C replaced by T.
Protein change: p.Ala271Val; replaces alanine 271 with valine.
Molecular consequence: missense variant. On other transcripts: intron variant (2).
Genome position (GRCh38, 1-based): chr9:36,923,453, G>A on the plus strand (C>T on the coding strand, the complement: PAX5 is on the minus strand). VCF-style: chr9-36923453-G-A. GRCh37 (hg19) VCF-style: chr9-36923450-G-A.
Other names: c.812C>T, p.Ala271Val (NM_001280547.2, NM_001280548.2, NM_001280552.2); c.488C>T, p.Ala163Val (NM_001280551.2, NM_001280556.2); c.683C>T, p.Ala228Val (NM_001280553.2, NM_001280554.2); c.614C>T, p.Ala205Val (NM_001280555.2); c.780+43096C>T (NM_001280550.2, NM_001280549.2); short protein forms A228V, A271V, A163V, A205V.
Identifiers: ClinVar variation 3885895 (VCV003885895.1).